The following is an entry in ClinVar:

ClinVar aggregate classification (germline): Uncertain significance (1 of 4 stars; one submission).

Allele frequency attached by ClinVar (database versions not stated): gnomAD exomes below 0.00001; TOPMed below 0.00001; gnomAD 0.00001.
gnomAD v4.1: 2 of 1,613,494 alleles (0.00012%); highest among the groups gnomAD compares: Non-Finnish European, 0.00017%; no homozygotes.

Submission:

Labcorp Genetics (formerly Invitae), Labcorp
Classification: Uncertain significance. Last evaluated: 2023-08-18. Review status: criteria provided, single submitter. Criteria: Invitae Variant Classification Sherloc (09022015). Collection method: clinical testing. Allele origin: germline.
Comment: This sequence change replaces glycine, which is neutral and non-polar, with alanine, which is neutral and non-polar, at codon 2130 of the RP1 protein (p.Gly2130Ala). This variant is not present in population databases (gnomAD no frequency). This variant has not been reported in the literature in individuals affected with RP1-related conditions. An algorithm developed to predict the effect of missense changes on protein structure and function (PolyPhen-2) suggests that this variant is likely to be tolerated. In summary, the available evidence is currently insufficient to determine the role of this variant in disease. Therefore, it has been classified as a Variant of Uncertain Significance.

NM_006269.2(RP1):c.6389G>C (p.Gly2130Ala)

Gene: RP1 (RP1 axonemal microtubule associated; plus strand). Cytogenetic location: 8q12.1.
Variant type: single nucleotide variant.
Coding change: c.6389G>C on transcript NM_006269.2 (MANE Select); coding-DNA position 6389, G replaced by C.
Protein change: p.Gly2130Ala; replaces glycine 2130 with alanine.
Molecular consequence: missense variant. On other transcripts: intron variant (1).
Genome position (GRCh38, 1-based): chr8:54,630,271, G>C. VCF-style: chr8-54630271-G-C. GRCh37 (hg19) VCF-style: chr8-55542831-G-C.
Other names: c.787+7983G>C (NM_001375654.1); short protein forms G2130A.
Identifiers: ClinVar variation 2864927 (VCV002864927.3), dbSNP rs1198994226, ClinGen allele CA370991973.